The following is an entry in ClinVar:

NM_001110556.2(FLNA):c.4017C>T (p.Pro1339=)

Gene: FLNA (filamin A; minus strand). Cytogenetic location: Xq28.
Variant type: single nucleotide variant.
Coding change: c.4017C>T on transcript NM_001110556.2 (MANE Select); coding-DNA position 4017, C replaced by T.
Protein change: p.Pro1339=; no amino-acid change (proline 1339 retained).
Molecular consequence: synonymous variant.
Genome position (GRCh38, 1-based): chrX:154,359,609, G>A on the plus strand (C>T on the coding strand, the complement: FLNA is on the minus strand). VCF-style: chrX-154359609-G-A. GRCh37 (hg19) VCF-style: chrX-153587977-G-A.
Other names: c.4017C>T, p.Pro1339= (NM_001456.4).
Identifiers: ClinVar variation 464987 (VCV000464987.14), dbSNP rs781934382, ClinGen allele CA10560611.

ClinVar aggregate classification (germline): Likely benign. Review status: criteria provided, multiple submitters, no conflicts (2 of 4 stars). 4 submissions from 4 submitters: Likely benign (4). Last evaluated 2025-07-27.

Conditions:
Oto-palato-digital syndrome, type II (OPD2). Also called: FACIOPALATOOSSEOUS SYNDROME; Otopalatodigital Syndrome Type 2 (FLNA-OPD2); OPD II SYNDROME; Otopalatodigital Syndrome, Type II. Identifiers: Orphanet 669, Orphanet 90652, MedGen C1844696, MONDO:0010571, OMIM 304120.
Frontometaphyseal dysplasia (FMD1). Identifiers: Orphanet 1826, MedGen C0265293, MONDO:0015942.
Melnick-Needles syndrome (MNS). Also called: Melnick-Needles Syndrome (FLNA-MNS); MELNICK-NEEDLES OSTEODYSPLASTY; OSTEODYSPLASTY OF MELNICK AND NEEDLES. Identifiers: Orphanet 2484, MedGen C0025237, MONDO:0010650, OMIM 309350.
Heterotopia, periventricular, X-linked dominant (PVNH1). Also called: PERIVENTRICULAR NODULAR HETEROTOPIA 1; X-linked periventricular heterotopia; PERIVENTRICULAR NODULAR HETEROTOPIA 4; HETEROTOPIA, PERIVENTRICULAR, 1. Identifiers: Orphanet 2149, Orphanet 82004, MedGen C1848213, MONDO:0010233, OMIM 300049.
Familial thoracic aortic aneurysm and aortic dissection (TAAD). Also called: Thoracic aortic aneurysms and dissections. Identifiers: Orphanet 91387, MedGen C4707243, MONDO:0019625.

Allele frequency attached by ClinVar (database versions not stated): gnomAD exomes below 0.00001 and 0.00001; ExAC 0.00001; gnomAD 0.00001; TOPMed 0.00001.
gnomAD v4.1: 6 of 1,209,400 alleles (0.0005%); highest among the groups gnomAD compares: South Asian, 0.0035%; no homozygotes.

Submissions (4):

Labcorp Genetics (formerly Invitae), Labcorp
Classification: Likely benign for Oto-palato-digital syndrome, type II; Heterotopia, periventricular, X-linked dominant; Frontometaphyseal dysplasia; Melnick-Needles syndrome. Last evaluated: 2025-07-27. Review status: criteria provided, single submitter. Criteria: Invitae Variant Classification Sherloc (09022015). Collection method: clinical testing. Allele origin: germline.

Blueprint Genetics
Classification: Likely benign. Last evaluated: 2024-07-19. Review status: criteria provided, single submitter. Criteria: ACMG Guidelines, 2015. Collection method: clinical testing. Allele origin: germline.

Ambry Genetics
Classification: Likely benign for Familial thoracic aortic aneurysm and aortic dissection. Last evaluated: 2022-01-23. Review status: criteria provided, single submitter. Criteria: Ambry Variant Classification Scheme 2023. Collection method: clinical testing. Allele origin: germline.

GeneDx
Classification: Likely benign. Last evaluated: 2018-04-09. Review status: criteria provided, single submitter. Criteria: GeneDx Variant Classification (06012015). Collection method: clinical testing. Allele origin: germline. Affected: yes.
Comment: This variant is considered likely benign or benign based on one or more of the following criteria: it is a conservative change, it occurs at a poorly conserved position in the protein, it is predicted to be benign by multiple in silico algorithms, and/or has population frequency not consistent with disease.